The following is an entry in ClinVar:

NM_001041.4(SI):c.2515+1G>A

Gene: SI (sucrase-isomaltase; minus strand). Cytogenetic location: 3q26.1.
Variant type: single nucleotide variant.
Coding change: c.2515+1G>A on transcript NM_001041.4 (MANE Select); the canonical splice donor site of the intron after coding-DNA position 2515, G replaced by A.
Molecular consequence: splice donor variant.
Genome position (GRCh38, 1-based): chr3:165,036,388, C>T on the plus strand (G>A on the coding strand, the complement: SI is on the minus strand). VCF-style: chr3-165036388-C-T. GRCh37 (hg19) VCF-style: chr3-164754176-C-T.
Identifiers: ClinVar variation 4811613 (VCV004811613.1).

ClinVar aggregate classification (germline): Likely pathogenic (1 of 4 stars; one submission).

gnomAD v4.1: 1 of 1,601,652 alleles (0.000062%); highest among the groups gnomAD compares: Non-Finnish European, 0.000086%; no homozygotes.

Submission:

Labcorp Genetics (formerly Invitae), Labcorp
Classification: Likely pathogenic. Last evaluated: 2025-11-03. Review status: criteria provided, single submitter. Criteria: Invitae Variant Classification Sherloc (09022015). Collection method: clinical testing. Allele origin: germline.
Comment: This sequence change affects a donor splice site in intron 22 of the SI gene. It is expected to disrupt RNA splicing. Variants that disrupt the donor or acceptor splice site typically lead to a loss of protein function (PMID: 16199547), and loss-of-function variants in SI are known to be pathogenic (PMID: 16329100, 23103650, 25452324). This variant is present in population databases (no rsID available, gnomAD 0.0009%). This variant has not been reported in the literature in individuals affected with SI-related conditions. Algorithms developed to predict the effect of sequence changes on RNA splicing suggest that this variant may disrupt the consensus splice site. In summary, the currently available evidence indicates that the variant is pathogenic, but additional data are needed to prove that conclusively. Therefore, this variant has been classified as Likely Pathogenic.

Literature cited by the submitters: PubMed 16199547; PubMed 16329100; PubMed 23103650; PubMed 25452324.